The following is an entry in ClinVar:

NM_080424.4(SP110):c.924C>T (p.Ile308=)

Genes: SP110 (SP110 nuclear body protein; minus strand), SP140 (SP140 nuclear body protein; plus strand). Cytogenetic location: 2q37.1.
Variant type: single nucleotide variant.
Coding change: c.924C>T on transcript NM_080424.4 (MANE Select); coding-DNA position 924, C replaced by T.
Protein change: p.Ile308=; no amino-acid change (isoleucine 308 retained).
Molecular consequence: synonymous variant. On other transcripts: intron variant (1).
Genome position (GRCh38, 1-based): chr2:230,202,703, G>A on the plus strand (C>T on the coding strand, the complement: SP110 is on the minus strand). VCF-style: chr2-230202703-G-A. GRCh37 (hg19) VCF-style: chr2-231067419-G-A.
Other names: c.942C>T, p.Ile314= (NM_001185015.2, NM_001378442.1, NM_001378444.1 and 2 more transcripts); c.924C>T, p.Ile308= (NM_001378443.1, NM_004509.5, NM_004510.4); c.899-1738C>T (NM_001378447.1).
Identifiers: ClinVar variation 5040406 (VCV005040406.1).
Genomic context (GRCh38, chr2:230,202,703, plus strand): 5'-GTTACAAGTTGAGTCATCTTTCTTTTGAGGAACCTGATCCACCCTTTTGAGCTTCTTTTG[G>A]ATTCCGTGTCTAGATGAGGCTGTCCCTGGACCAAATAATGACTTGTTAATAGTTTAAATT-3'
Protein context (NP_536349.3, residues 298-318): PGGTASSRHG[Ile308=]QKKLKRVDQV

ClinVar aggregate classification (germline): Likely benign (1 of 4 stars; one submission).

Submission:

CeGaT Center for Human Genetics Tuebingen
Classification: Likely benign. Last evaluated: 2026-08-01. Review status: criteria provided, single submitter. Criteria: CeGaT Center For Human Genetics Tuebingen Variant Classification Criteria Version 2. Collection method: clinical testing. Allele origin: germline. Affected: yes. Observed: 1 variant allele.
Comment: SP110: PM2:Supporting, BP4, BP7